The following is an entry in ClinVar:

NM_001374828.1(ARID1B):c.3632C>G (p.Ser1211Ter)

Gene: ARID1B (AT-rich interaction domain 1B; plus strand). Cytogenetic location: 6q25.3.
Variant type: single nucleotide variant.
Coding change: c.3632C>G on transcript NM_001374828.1 (MANE Select); coding-DNA position 3632, C replaced by G.
Protein change: p.Ser1211Ter; replaces serine 1211 with a stop codon.
Molecular consequence: nonsense.
Genome position (GRCh38, 1-based): chr6:157,181,096, C>G. VCF-style: chr6-157181096-C-G. GRCh37 (hg19) VCF-style: chr6-157502230-C-G.
Other names: c.3263C>G, p.Ser1088Ter (NM_020732.3); c.1133C>G, p.Ser378Ter (NM_001363725.2); c.3512C>G, p.Ser1171Ter (NM_001371656.1, NM_001374820.1); c.3473C>G, p.Ser1158Ter (NM_017519.3); short protein forms S1088*, S378*, S1158*, S1171*, S1211*.
Identifiers: ClinVar variation 265624 (VCV000265624.2), dbSNP rs886039676, ClinGen allele CA10588412.

ClinVar aggregate classification (germline): Pathogenic (1 of 4 stars; one submission).

Submission:

GeneDx
Classification: Pathogenic. Last evaluated: 2016-06-21. Review status: criteria provided, single submitter. Criteria: GeneDx Variant Classification (06012015). Collection method: clinical testing. Allele origin: germline. Affected: yes.
Comment: he S1088X pathogenic variant in the ARID1B gene has not been reported previously as a pathogenic variant nor as a benign variant, to our knowledge. This variant is predicted to cause loss of normal protein function either through protein truncation or nonsense-mediated mRNA decay. The S1088X variant was not observed in approximately 6500 individuals of European and African American ancestry in the NHLBI Exome Sequencing Project, indicating it is not a common benign variant in these populations. We interpret S1088X as a pathogenic variant.